The following is an entry in ClinVar:

NM_000277.3(PAH):c.1043T>C (p.Leu348Pro)

Gene: PAH (phenylalanine hydroxylase; minus strand). Cytogenetic location: 12q23.2.
Variant type: single nucleotide variant.
Coding change: c.1043T>C on transcript NM_000277.3 (MANE Select); coding-DNA position 1043, T replaced by C.
Protein change: p.Leu348Pro; replaces leucine 348 with proline.
Molecular consequence: missense variant.
Genome position (GRCh38, 1-based): chr12:102,844,358, A>G on the plus strand (T>C on the coding strand, the complement: PAH is on the minus strand). VCF-style: chr12-102844358-A-G. GRCh37 (hg19) VCF-style: chr12-103238136-A-G.
Other names: c.1043T>C, p.Leu348Pro (NM_001354304.2); short protein forms L348P.
Identifiers: ClinVar variation 932253 (VCV000932253.1), dbSNP rs1874733519, ClinGen allele CA16020922.
Genomic context (GRCh38, chr12:102,844,358, plus strand): 5'-ACTTTTAAATCTATCCTTGGTTCCTGTGAAGGTCATACCTGTAATTCACCAAAGGATGAC[A>G]GGAGCCCAGCACCATATGCCTTTATGGAGTCTCCTTGTTTGCAGAGCCCAAACTCCACAG-3'
Protein context (NP_000268.1, residues 338-358): DSIKAYGAGL[Leu348Pro]SSFGELQYCL

ClinVar aggregate classification (germline): Likely pathogenic (3 of 4 stars; one submission).

Conditions:
Phenylketonuria (PKU). Also called: OLIGOPHRENIA PHENYLPYRUVICA; Phenylketonurias; Phenylketonuria (PKU); FOLLING DISEASE. Identifiers: Orphanet 716, MedGen C0031485, MONDO:0009861, OMIM 261600. Disease mechanism: loss of function.

gnomAD v4.1: 2 of 1,613,192 alleles (0.00012%); highest among the groups gnomAD compares: South Asian, 0.0022%; no homozygotes.

Submission:

ClinGen PAH Variant Curation Expert Panel
Classification: Likely pathogenic for Phenylketonuria. Last evaluated: 2020-03-16. Review status: reviewed by expert panel. Criteria: ClinGen PAH ACMG Specifications v1. Collection method: curation. Allele origin: germline. Inheritance: Autosomal recessive inheritance.
Comment: A deleterious effect is predicted in SIFT, Polyphen-2, MutationTaster, and REVEL=0.981. Another missense change at the same amino acid is pathogenic: p.Leu348Val Pathogenic by 7 submitters. In summary, this variant meets criteria to be classified as likely pathogenic for PAH. PAH-specific ACMG/AMP criteria applied: PP4_Moderate, PM2, PM5, PP3.

Literature cited by the submitters: PubMed 23932990.